The following is an entry in ClinVar:

ClinVar aggregate classification (germline): Uncertain significance (1 of 4 stars; one submission).

Conditions:
Atrial fibrillation, familial, 11 (ATFB11). Identifiers: MedGen C3279693, MONDO:0013544, OMIM 614049.
Atrial standstill 1 (ATRST1). Also called: Atrial standstill, digenic (GJA5/SCN5A); ATRIAL CARDIOMYOPATHY WITH HEART BLOCK; CARDIOMYOPATHY, FAMILIAL, WITH CONDUCTION DISTURBANCE. Identifiers: Orphanet 1344, MedGen C4551959, MONDO:0007171, OMIM 108770.

Submission:

Labcorp Genetics (formerly Invitae), Labcorp
Classification: Uncertain significance for Atrial fibrillation, familial, 11; Atrial standstill 1. Last evaluated: 2024-01-26. Review status: criteria provided, single submitter. Criteria: Invitae Variant Classification Sherloc (09022015). Collection method: clinical testing. Allele origin: germline.
Comment: This variant, c.698_700del, results in the deletion of 1 amino acid(s) of the GJA5 protein (p.Lys233del), but otherwise preserves the integrity of the reading frame. This variant is present in population databases (no rsID available, gnomAD 0.0009%). This variant has not been reported in the literature in individuals affected with GJA5-related conditions. Experimental studies and prediction algorithms are not available or were not evaluated, and the functional significance of this variant is currently unknown. In summary, the available evidence is currently insufficient to determine the role of this variant in disease. Therefore, it has been classified as a Variant of Uncertain Significance.

NM_181703.4(GJA5):c.695AGA[1] (p.Lys233del)

Genes: GJA5 (gap junction protein alpha 5; minus strand), LOC122128420 (Sharpr-MPRA regulatory region 3144; plus strand). Cytogenetic location: 1q21.2.
Variant type: Microsatellite.
Coding change: c.695AGA[1] on transcript NM_181703.4 (MANE Select); one copy of the 3-base unit AGA starting at c.695; the reference has two copies in a row; one copy, 3 bases deleted.
Protein change: p.Lys233del; deletes lysine 233.
Molecular consequence: inframe deletion.
Genome position (GRCh38, 1-based): chr1:147,758,539-147,758,541, TCT deleted on the plus strand (AGA on the coding strand, the reverse complement: GJA5 is on the minus strand); deleting any 3 consecutive bases within chr1:147,758,539-147,758,546 gives the same sequence; the position shown is the placement nearest the transcript's 3' end. VCF-style (leftmost placement, unchanged base first): chr1-147758538-ATCT-A. GRCh37 (hg19) VCF-style: chr1-147230646-ATCT-A.
Other names: c.695AGA[1], p.Lys233del (NM_005266.7); short protein forms K233del.
Identifiers: ClinVar variation 2943295 (VCV002943295.3), dbSNP rs1553226904, ClinGen allele CA526263002.